The following is an entry in ClinVar:

NM_000540.3(RYR1):c.10348-8C>T

Gene: RYR1 (ryanodine receptor 1; plus strand). Cytogenetic location: 19q13.2.
Variant type: single nucleotide variant.
Coding change: c.10348-8C>T on transcript NM_000540.3 (MANE Select); 8 bases into the intron before coding-DNA position 10348, C replaced by T.
Molecular consequence: intron variant.
Genome position (GRCh38, 1-based): chr19:38,523,209, C>T. VCF-style: chr19-38523209-C-T. GRCh37 (hg19) VCF-style: chr19-39013849-C-T.
Other names: c.10348-8C>T (NM_001042723.2).
Identifiers: ClinVar variation 3385525 (VCV003385525.2).

ClinVar aggregate classification (germline): Likely benign. Review status: criteria provided, multiple submitters, no conflicts (2 of 4 stars). 2 submissions from 2 submitters: Likely benign (2). Last evaluated 2025-03-07.

Conditions:
Malignant hyperthermia, susceptibility to, 1 (MHS1). Also called: Anesthesia related hyperthermia; Malignant hyperpyrexia; Fulminating hyperpyrexia; Pharmacogenic myopathy; Malignant hyperthermia suceptibility 1; RYR1-Related Malignant Hyperthermia Susceptibility. Identifiers: Orphanet 423, MedGen C2930980, MONDO:0007783, OMIM 145600.
RYR1-related disorder. Also called: RYR1-related disorders; RYR1-related condition. Identifiers: MedGen CN239331.

Submissions (2):

Labcorp Genetics (formerly Invitae), Labcorp
Classification: Likely benign for RYR1-related disorder. Last evaluated: 2025-03-07. Review status: criteria provided, single submitter. Criteria: Invitae Variant Classification Sherloc (09022015). Collection method: clinical testing. Allele origin: germline.

All of Us Research Program, National Institutes of Health
Classification: Likely benign for Malignant hyperthermia, susceptibility to, 1. Last evaluated: 2024-03-24. Review status: criteria provided, single submitter. Criteria: ACMG Guidelines, 2015. Collection method: clinical testing. Allele origin: germline. Inheritance: Autosomal dominant inheritance. Observed: 1 variant allele, 1 heterozygote.
Comment: This study involves interpretation of variants in research participants for the purpose of population health screening. Participant phenotype was not available at the time of variant classification. Additional details can be found in publication PMID: 35346344, PMCID: PMC8962531